The following is an entry in ClinVar:

NM_001718.6(BMP6):c.225G>A (p.Glu75=)

Gene: BMP6 (bone morphogenetic protein 6; plus strand). Cytogenetic location: 6p24.3.
Variant type: single nucleotide variant.
Coding change: c.225G>A on transcript NM_001718.6 (MANE Select); coding-DNA position 225, G replaced by A.
Protein change: p.Glu75=; no amino-acid change (glutamic acid 75 retained).
Molecular consequence: synonymous variant.
Genome position (GRCh38, 1-based): chr6:7,727,180, G>A. VCF-style: chr6-7727180-G-A. GRCh37 (hg19) VCF-style: chr6-7727413-G-A.
Identifiers: ClinVar variation 3056390 (VCV003056390.2), dbSNP rs201788022, ClinGen allele CA3628470.
Genomic context (GRCh38, chr6:7,727,180, plus strand): 5'-GCCGCCGCCGTCGCCGCAGTCCTCCTCGGGCTTCCTGTACCGGCGGCTCAAGACGCAGGA[G>A]AAGCGGGAGATGCAGAAGGAGATCTTGTCGGTGCTGGGGCTCCCGCACCGGCCCCGGCCC-3'
Protein context (NP_001709.1, residues 65-85): GFLYRRLKTQ[Glu75=]KREMQKEILS

ClinVar aggregate classification (germline): Benign (0 of 4 stars; one submission).

Conditions:
BMP6-related disorder. Also called: BMP6-related condition.

Allele frequency attached by ClinVar (database versions not stated): 1000 Genomes Project 0.00020; 1000 Genomes Project 30x 0.00031; ESP Exome Variant Server 0.00157; TOPMed 0.00234; gnomAD 0.00320; gnomAD exomes 0.00378; ExAC 0.00656.
gnomAD v4.1: 5,972 of 1,599,744 alleles (0.37%); highest among the groups gnomAD compares: Non-Finnish European, 0.38%; 28 homozygotes.

Submission:

PreventionGenetics, part of Exact Sciences
Classification: Benign for BMP6-related condition. Last evaluated: 2019-02-22. Review status: no assertion criteria provided. Collection method: clinical testing. Allele origin: germline.
Comment: This variant is classified as benign based on ACMG/AMP sequence variant interpretation guidelines (Richards et al. 2015 PMID: 25741868, with internal and published modifications).